The following is an entry in ClinVar:

ClinVar aggregate classification (germline): Uncertain significance. Review status: criteria provided, multiple submitters, no conflicts (2 of 4 stars). 3 submissions from 3 submitters: Uncertain significance (3). Last evaluated 2025-02-14.

Conditions:
Focal segmental glomerulosclerosis 3, susceptibility to (FSGS3). Identifiers: Orphanet 656, MedGen C1842982, MONDO:0011917, OMIM 607832.

Allele frequency attached by ClinVar (database versions not stated): gnomAD exomes 0.00003; TOPMed 0.00004; gnomAD 0.00002; ExAC 0.00008.
gnomAD v4.1: 39 of 1,612,076 alleles (0.0024%); highest among the groups gnomAD compares: Admixed American, 0.065%; no homozygotes.

Submissions (3):

Labcorp Genetics (formerly Invitae), Labcorp
Classification: Uncertain significance. Last evaluated: 2025-02-14. Review status: criteria provided, single submitter. Criteria: Invitae Variant Classification Sherloc (09022015). Collection method: clinical testing. Allele origin: germline.
Comment: This sequence change replaces valine, which is neutral and non-polar, with leucine, which is neutral and non-polar, at codon 459 of the CD2AP protein (p.Val459Leu). This variant is present in population databases (rs774081495, gnomAD 0.1%). This variant has not been reported in the literature in individuals affected with CD2AP-related conditions. ClinVar contains an entry for this variant (Variation ID: 2027157). Invitae Evidence Modeling of protein sequence and biophysical properties (such as structural, functional, and spatial information, amino acid conservation, physicochemical variation, residue mobility, and thermodynamic stability) indicates that this missense variant is not expected to disrupt CD2AP protein function with a negative predictive value of 80%. In summary, the available evidence is currently insufficient to determine the role of this variant in disease. Therefore, it has been classified as a Variant of Uncertain Significance.

Women's Health and Genetics/Laboratory Corporation of America, LabCorp
Classification: Uncertain significance. Last evaluated: 2024-06-27. Review status: criteria provided, single submitter. Criteria: LabCorp Variant Classification Summary - May 2015. Collection method: clinical testing. Allele origin: germline.
Comment: Variant summary: CD2AP c.1375G>C (p.Val459Leu) results in a conservative amino acid change in the encoded protein sequence. Four of five in-silico tools predict a benign effect of the variant on protein function. The variant allele was found at a frequency of 0.00013 in 250430 control chromosomes. This frequency is not significantly higher than estimated for a pathogenic variant in CD2AP causing Focal Segmental Glomerulosclerosis 3, Susceptibility To, allowing no conclusion about variant significance. To our knowledge, no occurrence of c.1375G>C in individuals affected with Focal Segmental Glomerulosclerosis 3, Susceptibility To and no experimental evidence demonstrating its impact on protein function have been reported. ClinVar contains an entry for this variant (Variation ID: 2027157). Based on the evidence outlined above, the variant was classified as uncertain significance.

Fulgent Genetics
Classification: Uncertain significance for Focal segmental glomerulosclerosis 3, susceptibility to. Last evaluated: 2024-06-18. Review status: criteria provided, single submitter. Criteria: ACMG Guidelines, 2015. Collection method: clinical testing. Allele origin: germline.

NM_012120.3(CD2AP):c.1375G>C (p.Val459Leu)

Gene: CD2AP (CD2 associated protein; plus strand). Cytogenetic location: 6p12.3.
Variant type: single nucleotide variant.
Coding change: c.1375G>C on transcript NM_012120.3 (MANE Select); coding-DNA position 1375, G replaced by C.
Protein change: p.Val459Leu; replaces valine 459 with leucine.
Molecular consequence: missense variant.
Genome position (GRCh38, 1-based): chr6:47,599,401, G>C. VCF-style: chr6-47599401-G-C. GRCh37 (hg19) VCF-style: chr6-47567137-G-C.
Other names: short protein forms V459L.
Identifiers: ClinVar variation 2027157 (VCV002027157.6), dbSNP rs774081495, ClinGen allele CA3844308.